The following is an entry in ClinVar:

NM_001348800.3(ZBTB20):c.1337T>C (p.Ile446Thr)

Gene: ZBTB20 (zinc finger and BTB domain containing 20; minus strand). Cytogenetic location: 3q13.31.
Variant type: single nucleotide variant.
Coding change: c.1337T>C on transcript NM_001348800.3 (MANE Select); coding-DNA position 1337, T replaced by C.
Protein change: p.Ile446Thr; replaces isoleucine 446 with threonine.
Molecular consequence: missense variant.
Genome position (GRCh38, 1-based): chr3:114,350,741, A>G on the plus strand (T>C on the coding strand, the complement: ZBTB20 is on the minus strand). VCF-style: chr3-114350741-A-G. GRCh37 (hg19) VCF-style: chr3-114069588-A-G.
Other names: c.1337T>C, p.Ile446Thr (NM_001164342.2, NM_001348803.3, NM_001393393.1 and 1 more transcripts); c.1118T>C, p.Ile373Thr (NM_001164343.2, NM_001164344.4, NM_001164345.4 and 9 more transcripts); short protein forms I373T, I446T.
Identifiers: ClinVar variation 4749709 (VCV004749709.1).
Genomic context (GRCh38, chr3:114,350,741, plus strand): 5'-ATGGACGTGTTGACCGAAGGCTGTTGTAGGACGCTCTTGTCGGAGCTGTTGCTGACAGTG[A>G]TAACAGTGCTGTCCATCTCCACTTCATTGCTTCTCTCCGGAGAGGAAGCACCTGTTTCTA-3'
Protein context (NP_001335729.1, residues 436-456): SNEVEMDSTV[Ile446Thr]TVSNSSDKSV

ClinVar aggregate classification (germline): Uncertain significance (1 of 4 stars; one submission).

gnomAD v4.1: 7 of 1,614,200 alleles (0.00043%); highest among the groups gnomAD compares: Non-Finnish European, 0.00059%; no homozygotes.

Submission:

Labcorp Genetics (formerly Invitae), Labcorp
Classification: Uncertain significance. Last evaluated: 2025-05-20. Review status: criteria provided, single submitter. Criteria: Invitae Variant Classification Sherloc (09022015). Collection method: clinical testing. Allele origin: germline.
Comment: This sequence change replaces isoleucine, which is neutral and non-polar, with threonine, which is neutral and polar, at codon 446 of the ZBTB20 protein (p.Ile446Thr). This variant is not present in population databases (gnomAD no frequency). This variant has not been reported in the literature in individuals affected with ZBTB20-related conditions. Invitae Evidence Modeling of protein sequence and biophysical properties (such as structural, functional, and spatial information, amino acid conservation, physicochemical variation, residue mobility, and thermodynamic stability) indicates that this missense variant is not expected to disrupt ZBTB20 protein function with a negative predictive value of 95%. In summary, the available evidence is currently insufficient to determine the role of this variant in disease. Therefore, it has been classified as a Variant of Uncertain Significance.